The following is an entry in ClinVar:

ClinVar aggregate classification (germline): Uncertain significance (1 of 4 stars; one submission).

Allele frequency attached by ClinVar (database versions not stated): ExAC 0.00002; gnomAD exomes 0.00006; TOPMed 0.00012; gnomAD 0.00019 and 0.00020.
gnomAD v4.1: 55 of 1,612,576 alleles (0.0034%); highest among the groups gnomAD compares: Admixed American, 0.065%; no homozygotes.

Submission:

Labcorp Genetics (formerly Invitae), Labcorp
Classification: Uncertain significance. Last evaluated: 2024-11-27. Review status: criteria provided, single submitter. Criteria: Invitae Variant Classification Sherloc (09022015). Collection method: clinical testing. Allele origin: germline.
Comment: This sequence change replaces valine, which is neutral and non-polar, with isoleucine, which is neutral and non-polar, at codon 634 of the EFL1 protein (p.Val634Ile). This variant is present in population databases (rs771685905, gnomAD 0.04%). This variant has not been reported in the literature in individuals affected with EFL1-related conditions. ClinVar contains an entry for this variant (Variation ID: 1349360). Invitae Evidence Modeling of protein sequence and biophysical properties (such as structural, functional, and spatial information, amino acid conservation, physicochemical variation, residue mobility, and thermodynamic stability) indicates that this missense variant is not expected to disrupt EFL1 protein function with a negative predictive value of 80%. In summary, the available evidence is currently insufficient to determine the role of this variant in disease. Therefore, it has been classified as a Variant of Uncertain Significance.

NM_024580.6(EFL1):c.1900G>A (p.Val634Ile)

Gene: EFL1 (elongation factor like GTPase 1; minus strand). Cytogenetic location: 15q25.2.
Variant type: single nucleotide variant.
Coding change: c.1900G>A on transcript NM_024580.6 (MANE Select); coding-DNA position 1900, G replaced by A.
Protein change: p.Val634Ile; replaces valine 634 with isoleucine.
Molecular consequence: missense variant. On other transcripts: non-coding transcript variant (1).
Genome position (GRCh38, 1-based): chr15:82,157,843, C>T on the plus strand (G>A on the coding strand, the complement: EFL1 is on the minus strand). VCF-style: chr15-82157843-C-T. GRCh37 (hg19) VCF-style: chr15-82450184-C-T.
Other names: c.1747G>A, p.Val583Ile (NM_001040610.3); c.1111G>A, p.Val371Ile (NM_001322844.2); c.1900G>A, p.Val634Ile (NM_001322845.2); short protein forms V371I, V634I, V583I.
Identifiers: ClinVar variation 1349360 (VCV001349360.7), dbSNP rs771685905, ClinGen allele CA7697845.